The following is an entry in ClinVar:

NM_152564.5(VPS13B):c.2139T>A (p.His713Gln)

Gene: VPS13B (vacuolar protein sorting 13 homolog B; plus strand). Cytogenetic location: 8q22.2.
Variant type: single nucleotide variant.
Coding change: c.2139T>A on transcript NM_152564.5 (MANE Select); coding-DNA position 2139, T replaced by A.
Protein change: p.His713Gln; replaces histidine 713 with glutamine.
Molecular consequence: missense variant.
Genome position (GRCh38, 1-based): chr8:99,156,674, T>A. VCF-style: chr8-99156674-T-A. GRCh37 (hg19) VCF-style: chr8-100168902-T-A.
Other names: c.2139T>A, p.His713Gln (NM_015243.3, NM_017890.5); short protein forms H713Q.
Identifiers: ClinVar variation 937826 (VCV000937826.2), dbSNP rs1811381345, ClinGen allele CA371865113.
Genomic context (GRCh38, chr8:99,156,674, plus strand): 5'-ATTGGTGGATAAAATTAATCTGGAACATTCAGTGCCAATGTATGCTGAACAGTTGGTGCA[T>A]GTGGTCAGCAGCCTTACTCAACCTTCTGATAACCTGCTTCATTATTGTTATGTACACTGC-3'
Protein context (NP_689777.3, residues 703-723): SVPMYAEQLV[His713Gln]VVSSLTQPSD

ClinVar aggregate classification (germline): Uncertain significance (1 of 4 stars; one submission).

Conditions:
Cohen syndrome (COH1). Also called: PEPPER SYNDROME; Cutis verticis gyrata, retinitis pigmentosa, and sensorineural deafness. Identifiers: Orphanet 193, MedGen C0265223, MONDO:0008999, OMIM 216550.

Allele frequency attached by ClinVar (database versions not stated): TOPMed below 0.00001.

Submission:

Labcorp Genetics (formerly Invitae), Labcorp
Classification: Uncertain significance for Cohen syndrome. Last evaluated: 2025-04-19. Review status: criteria provided, single submitter. Criteria: Invitae Variant Classification Sherloc (09022015). Collection method: clinical testing. Allele origin: germline.
Comment: This sequence change replaces histidine, which is basic and polar, with glutamine, which is neutral and polar, at codon 713 of the VPS13B protein (p.His713Gln). This variant is not present in population databases (gnomAD no frequency). This variant has not been reported in the literature in individuals affected with VPS13B-related conditions. ClinVar contains an entry for this variant (Variation ID: 937826). Invitae Evidence Modeling of protein sequence and biophysical properties (such as structural, functional, and spatial information, amino acid conservation, physicochemical variation, residue mobility, and thermodynamic stability) indicates that this missense variant is not expected to disrupt VPS13B protein function with a negative predictive value of 80%. In summary, the available evidence is currently insufficient to determine the role of this variant in disease. Therefore, it has been classified as a Variant of Uncertain Significance.